The following is an entry in ClinVar:

ClinVar aggregate classification (germline): Benign (1 of 4 stars; one submission).

Submission:

CeGaT Center for Human Genetics Tuebingen
Classification: Benign. Last evaluated: 2026-08-01. Review status: criteria provided, single submitter. Criteria: CeGaT Center For Human Genetics Tuebingen Variant Classification Criteria Version 2. Collection method: clinical testing. Allele origin: germline. Affected: yes. Observed: 10 variant alleles.
Comment: STK11: BS1, BS2

NM_000455.5(STK11):c.*16+219G>C

Gene: STK11 (serine/threonine kinase 11; plus strand). Cytogenetic location: 19p13.3.
Variant type: single nucleotide variant.
Coding change: c.*16+219G>C on transcript NM_000455.5 (MANE Select); 219 bases into the intron after 16 bases downstream of the stop codon, G replaced by C.
Molecular consequence: intron variant.
Genome position (GRCh38, 1-based): chr19:1,226,882, G>C. VCF-style: chr19-1226882-G-C. GRCh37 (hg19) VCF-style: chr19-1226881-G-C.
Identifiers: ClinVar variation 4083810 (VCV004083810.8).